The following is an entry in ClinVar:

NM_002473.6(MYH9):c.1093A>G (p.Met365Val)

Gene: MYH9 (myosin heavy chain 9; minus strand). Cytogenetic location: 22q12.3.
Variant type: single nucleotide variant.
Coding change: c.1093A>G on transcript NM_002473.6 (MANE Select); coding-DNA position 1093, A replaced by G.
Protein change: p.Met365Val; replaces methionine 365 with valine.
Molecular consequence: missense variant.
Genome position (GRCh38, 1-based): chr22:36,319,555, T>C on the plus strand (A>G on the coding strand, the complement: MYH9 is on the minus strand). VCF-style: chr22-36319555-T-C. GRCh37 (hg19) VCF-style: chr22-36715600-T-C.
Other names: short protein forms M365V.
Identifiers: ClinVar variation 2808218 (VCV002808218.3), dbSNP rs2517992696, ClinGen allele CA411404161.

ClinVar aggregate classification (germline): Uncertain significance (1 of 4 stars; one submission).

Allele frequency attached by ClinVar (database versions not stated): gnomAD exomes below 0.00001.
gnomAD v4.1: 1 of 1,614,200 alleles (0.000062%); highest among the groups gnomAD compares: Non-Finnish European, 0.000085%; no homozygotes.

Submission:

Labcorp Genetics (formerly Invitae), Labcorp
Classification: Uncertain significance. Last evaluated: 2023-04-28. Review status: criteria provided, single submitter. Criteria: Invitae Variant Classification Sherloc (09022015). Collection method: clinical testing. Allele origin: germline.
Comment: This sequence change replaces methionine, which is neutral and non-polar, with valine, which is neutral and non-polar, at codon 365 of the MYH9 protein (p.Met365Val). This variant is not present in population databases (gnomAD no frequency). This variant has not been reported in the literature in individuals affected with MYH9-related conditions. Advanced modeling of protein sequence and biophysical properties (such as structural, functional, and spatial information, amino acid conservation, physicochemical variation, residue mobility, and thermodynamic stability) performed at Invitae indicates that this missense variant is not expected to disrupt MYH9 protein function. In summary, the available evidence is currently insufficient to determine the role of this variant in disease. Therefore, it has been classified as a Variant of Uncertain Significance.